The following is an entry in ClinVar:

ClinVar aggregate classification (germline): Uncertain significance. Review status: criteria provided, multiple submitters, no conflicts (2 of 4 stars). 3 submissions from 3 submitters: Uncertain significance (3). Last evaluated 2025-07-28.

Conditions:
Cardiovascular phenotype. Identifiers: MedGen CN230736.
Catecholaminergic polymorphic ventricular tachycardia 1. Also called: RYR2-Related Catecholaminergic Polymorphic Ventricular Tachycardia; VENTRICULAR TACHYCARDIA, CATECHOLAMINERGIC POLYMORPHIC, 1, WITH OR WITHOUT ATRIAL DYSFUNCTION AND/OR DILATED CARDIOMYOPATHY; VENTRICULAR TACHYCARDIA, STRESS-INDUCED POLYMORPHIC 1. Identifiers: Orphanet 3286, MedGen C1631597, MONDO:0011484, OMIM 604772.

Allele frequency attached by ClinVar (database versions not stated): gnomAD exomes below 0.00001; gnomAD 0.00001; TOPMed 0.00001.
gnomAD v4.1: 2 of 1,613,508 alleles (0.00012%); highest among the groups gnomAD compares: Non-Finnish European, 0.00017%; no homozygotes.

Submissions (3):

Ambry Genetics
Classification: Uncertain significance for Cardiovascular phenotype. Last evaluated: 2025-07-28. Review status: criteria provided, single submitter. Criteria: Ambry Variant Classification Scheme 2023. Collection method: clinical testing. Allele origin: germline.
Comment: The p.N1503D variant (also known as c.4507A>G), located in coding exon 34 of the RYR2 gene, results from an A to G substitution at nucleotide position 4507. The asparagine at codon 1503 is replaced by aspartic acid, an amino acid with highly similar properties. This amino acid position is well conserved in available vertebrate species. In addition, this alteration is predicted to be tolerated by in silico analysis. Based on the available evidence, the clinical significance of this variant remains unclear.

Labcorp Genetics (formerly Invitae), Labcorp
Classification: Uncertain significance for Catecholaminergic polymorphic ventricular tachycardia 1. Last evaluated: 2023-03-26. Review status: criteria provided, single submitter. Criteria: Invitae Variant Classification Sherloc (09022015). Collection method: clinical testing. Allele origin: germline.
Comment: This variant is present in population databases (rs794728736, gnomAD 0.007%). In summary, the available evidence is currently insufficient to determine the role of this variant in disease. Therefore, it has been classified as a Variant of Uncertain Significance. Advanced modeling of protein sequence and biophysical properties (such as structural, functional, and spatial information, amino acid conservation, physicochemical variation, residue mobility, and thermodynamic stability) performed at Invitae indicates that this missense variant is not expected to disrupt RYR2 protein function. ClinVar contains an entry for this variant (Variation ID: 201247). This variant has not been reported in the literature in individuals affected with RYR2-related conditions. This sequence change replaces asparagine, which is neutral and polar, with aspartic acid, which is acidic and polar, at codon 1503 of the RYR2 protein (p.Asn1503Asp).

GeneDx
Classification: Uncertain significance. Last evaluated: 2016-09-22. Review status: criteria provided, single submitter. Criteria: GeneDx Variant Classification (06012015). Collection method: clinical testing. Allele origin: germline. Affected: yes.
Comment: p.Asn1503Asp (AAT>GAT): c.4507 A>G in exon 34 of the RYR2 gene (NM_001035.2). The Asn1503Asp variant in the RYR2 gene has not been reported as a disease-causing mutation or as a benign polymorphism to our knowledge. Asn1503Asp results in a non-conservative amino acid substitution of neutral, polar Asparagine with a negatively charged Aspartic acid at a position that is not uniformly conserved across species. As result, in silico analysis predicts Asn1503Asp likely has a benign effect on the protein structure/function. The NHLBI ESP Exome Variant Server reports Asn1503Asp was not observed in approximately 5,000 samples from individuals of European and African American backgrounds, indicating it is not a common benign variant in these populations. The Asn1503Asp variant does not occur in any of the RYR2 mutation hot spots and no mutations have been reported in nearby residues to date (Medeiros-Domingo A et al., 2009). In summary, the clinical significance of the Asn1503Asp variant in the RYR2 gene is currently unknown.The variant is found in ARVC,POSTMORTEM panel(s).

NM_001035.3(RYR2):c.4507A>G (p.Asn1503Asp)

Gene: RYR2 (ryanodine receptor 2; plus strand). Cytogenetic location: 1q43.
Variant type: single nucleotide variant.
Coding change: c.4507A>G on transcript NM_001035.3 (MANE Select); coding-DNA position 4507, A replaced by G.
Protein change: p.Asn1503Asp; replaces asparagine 1503 with aspartic acid.
Molecular consequence: missense variant.
Genome position (GRCh38, 1-based): chr1:237,595,568, A>G. VCF-style: chr1-237595568-A-G. GRCh37 (hg19) VCF-style: chr1-237758868-A-G.
Other names: p.N1503D:AAT>GAT; c.4507A>G, p.Asn1503Asp (LRG_402t1); short protein forms N1503D.
Identifiers: ClinVar variation 201247 (VCV000201247.13), dbSNP rs794728736, ClinGen allele CA009553.